The following is an entry in ClinVar:

ClinVar aggregate classification (germline): Conflicting classifications of pathogenicity. Review status: criteria provided, conflicting classifications (1 of 4 stars). 2 submissions from 2 submitters: Uncertain significance (1); Benign (1). Last evaluated 2025-12-01.

Conditions:
Cardiovascular phenotype. Identifiers: MedGen CN230736.
Distal myopathy with posterior leg and anterior hand involvement. Also called: WILLIAMS DISTAL MYOPATHY. Identifiers: Orphanet 63273, MedGen C3279722, MONDO:0013550, OMIM 614065.
Hypertrophic cardiomyopathy 26. Also called: Cardiomyopathy, familial hypertrophic, 26. Identifiers: Orphanet 75249, MedGen C4310749, MONDO:0014883, OMIM 617047.
Myofibrillar myopathy 5. Also called: FILAMINOPATHY, AUTOSOMAL DOMINANT; Filaminopathy (type). Identifiers: Orphanet 171445, MedGen C1836050, MONDO:0012289, OMIM 609524.

gnomAD v4.1: 5 of 1,613,086 alleles (0.00031%); highest among the groups gnomAD compares: Admixed American, 0.0017%; no homozygotes.

Submissions (2):

Labcorp Genetics (formerly Invitae), Labcorp
Classification: Benign for Distal myopathy with posterior leg and anterior hand involvement; Myofibrillar myopathy 5; Hypertrophic cardiomyopathy 26. Last evaluated: 2025-12-01. Review status: criteria provided, single submitter. Criteria: Invitae Variant Classification Sherloc (09022015). Collection method: clinical testing. Allele origin: germline.

Ambry Genetics
Classification: Uncertain significance for Cardiovascular phenotype. Last evaluated: 2025-05-14. Review status: criteria provided, single submitter. Criteria: Ambry Variant Classification Scheme 2023. Collection method: clinical testing. Allele origin: germline.
Comment: The p.N2388S variant (also known as c.7163A>G), located in coding exon 43 of the FLNC gene, results from an A to G substitution at nucleotide position 7163. The asparagine at codon 2388 is replaced by serine, an amino acid with highly similar properties. This amino acid position is highly conserved in available vertebrate species. In addition, this alteration is predicted to be tolerated by in silico analysis. Based on the available evidence, the clinical significance of this variant remains unclear.

NM_001458.5(FLNC):c.7163A>G (p.Asn2388Ser)

Genes: FLNC (filamin C; plus strand), FLNC-AS1 (FLNC antisense RNA 1; minus strand). Cytogenetic location: 7q32.1.
Variant type: single nucleotide variant.
Coding change: c.7163A>G on transcript NM_001458.5 (MANE Select); coding-DNA position 7163, A replaced by G.
Protein change: p.Asn2388Ser; replaces asparagine 2388 with serine.
Molecular consequence: missense variant.
Genome position (GRCh38, 1-based): chr7:128,855,226, A>G. VCF-style: chr7-128855226-A-G. GRCh37 (hg19) VCF-style: chr7-128495280-A-G.
Other names: c.7064A>G, p.Asn2355Ser (NM_001127487.2); short protein forms N2355S, N2388S.
Identifiers: ClinVar variation 4025613 (VCV004025613.2).